The following is an entry in ClinVar:

ClinVar aggregate classification (germline): Likely benign. Review status: criteria provided, multiple submitters, no conflicts (2 of 4 stars). 2 submissions from 2 submitters: Likely benign (2). Last evaluated 2024-02-27.

Allele frequency attached by ClinVar (database versions not stated): gnomAD exomes 0.00001 and 0.00003; TOPMed 0.00003.
gnomAD v4.1: 48 of 1,613,738 alleles (0.003%); highest among the groups gnomAD compares: Admixed American, 0.005%; no homozygotes.

Submissions (2):

Labcorp Genetics (formerly Invitae), Labcorp
Classification: Likely benign. Last evaluated: 2024-02-27. Review status: criteria provided, single submitter. Criteria: Invitae Variant Classification Sherloc (09022015). Collection method: clinical testing. Allele origin: germline.

Laboratory for Molecular Medicine, Mass General Brigham Personalized Medicine
Classification: Likely benign. Last evaluated: 2018-11-04. Review status: criteria provided, single submitter. Criteria: LMM Criteria. Collection method: clinical testing. Allele origin: germline. Observed: 1 variant allele.
Comment: The p.Pro2162Pro variant in MYO15A is classified as likely benign because it doe s not alter an amino acid residue, it is not located within the splice consensus sequence, and splice prediction algorithms do not predict a newly created splic e site. It has been identified in 5/279134 of the total chromosomes by gnomAD. ACMG/AMP Criteria applied: BP4, BP7, PM2.

NM_016239.4(MYO15A):c.6486G>A (p.Pro2162=)

Gene: MYO15A (myosin XVA; plus strand). Cytogenetic location: 17p11.2.
Variant type: single nucleotide variant.
Coding change: c.6486G>A on transcript NM_016239.4 (MANE Select); coding-DNA position 6486, G replaced by A.
Protein change: p.Pro2162=; no amino-acid change (proline 2162 retained).
Molecular consequence: synonymous variant.
Genome position (GRCh38, 1-based): chr17:18,146,084, G>A. VCF-style: chr17-18146084-G-A. GRCh37 (hg19) VCF-style: chr17-18049398-G-A.
Identifiers: ClinVar variation 666723 (VCV000666723.7), dbSNP rs1313329708, ClinGen allele CA498430611.